The following is an entry in ClinVar:

NM_000313.4(PROS1):c.946C>T (p.Arg316Cys)

Gene: PROS1 (protein S; minus strand). Cytogenetic location: 3q11.1.
Variant type: single nucleotide variant.
Coding change: c.946C>T on transcript NM_000313.4 (MANE Select); coding-DNA position 946, C replaced by T.
Protein change: p.Arg316Cys; replaces arginine 316 with cysteine.
Molecular consequence: missense variant.
Genome position (GRCh38, 1-based): chr3:93,896,595, G>A on the plus strand (C>T on the coding strand, the complement: PROS1 is on the minus strand). VCF-style: chr3-93896595-G-A. GRCh37 (hg19) VCF-style: chr3-93615439-G-A.
Other names: p.Arg316Cys; c.1042C>T, p.Arg348Cys (NM_001314077.2); short protein forms R316C, R348C.
Identifiers: ClinVar variation 161345 (VCV000161345.4), dbSNP rs373983977, ClinGen allele CA211739.

ClinVar aggregate classification (germline): Conflicting classifications of pathogenicity. Review status: criteria provided, conflicting classifications (1 of 4 stars). 3 submissions from 3 submitters: Likely pathogenic (1); Uncertain significance (1). 1 of the submissions does not count toward it. Last evaluated 2025-09-05.

Conditions:
Thrombophilia due to protein S deficiency, autosomal dominant (THPH5). Identifiers: Orphanet 26349, Orphanet 743, MedGen C3278211, MONDO:0012868, OMIM 612336. Disease mechanism: loss of function.
Incidental Discovery. Identifiers: MedGen C1135954.

Allele frequency attached by ClinVar (database versions not stated): ExAC 0.00001; gnomAD 0.00001; TOPMed 0.00001; gnomAD exomes 0.00002; ESP Exome Variant Server 0.00008.

Submissions (3):

Clinical Genetics Laboratory, Skane University Hospital Lund
Classification: Uncertain significance for Incidental Discovery. Last evaluated: 2025-09-05. Review status: criteria provided, single submitter. Criteria: ACMG Guidelines, 2015. Collection method: clinical testing. Allele origin: germline. Inheritance: Autosomal recessive inheritance. Affected: yes.
Comment: Clinical follow-up showed no signs of thrombophilia and completely normal levels of Protein S.

Mayo Clinic Laboratories, Mayo Clinic
Classification: Likely pathogenic. Last evaluated: 2023-11-14. Review status: criteria provided, single submitter. Criteria: ACMG Guidelines, 2015. Collection method: clinical testing. Allele origin: germline. Observed: 1 variant allele.
Comment: PP3, PM1_supporting, PM2_moderate, PS3

CSER _CC_NCGL, University of Washington
Classification: Uncertain significance for Protein S deficiency. Last evaluated: 2014-06-01. Review status: no assertion criteria provided. Collection method: research. Allele origin: germline. Inheritance: Autosomal dominant inheritance. Study: ESP 6500 variant annotation. Not counted in ClinVar's aggregate classification.
Comment: Variants classified for the Actionable exomic incidental findings in 6503 participants: challenges of variant classification manuscript

Literature cited by the submitters: PubMed 16961607 (cited by Mayo Clinic Laboratories, Mayo Clinic); PubMed 28174134 (cited by Mayo Clinic Laboratories, Mayo Clinic); PubMed 36034607 (cited by Mayo Clinic Laboratories, Mayo Clinic).